The following is an entry in ClinVar:

t(8;10)(q12.1;q23.31)

Genes: ACTA2 (actin alpha 2, smooth muscle; minus strand), PLAG1 (PLAG1 zinc finger; minus strand). Cytogenetic location: 8q12.1.
Variant type: Translocation.
Identifiers: ClinVar variation 431023 (VCV000431023.2).

ClinVar aggregate classification (germline): Likely pathogenic (0 of 4 stars; one submission).

Conditions:
Lung adenocarcinoma. Also called: Adenocarcinoma of lung; Adenocarcinoma of lung, somatic. Identifiers: MedGen C0152013, MeSH D000077192, MONDO:0005061, HP:0030078.

Submission:

Thoracic and Gastrointestinal Oncology Branch/CCR/NCI, NIH
Classification: Likely pathogenic for Lung adenocarcinoma. Last evaluated: 2015-05-01. Review status: no assertion criteria provided. Collection method: research. Allele origin: somatic. Affected: yes.
Comment: This is a translocation between two genes, PLAG1 and ACTA2. The breakpoint is at chromosomal locations (hg19), chr8:57120269- chr10:90709142. This translocation juxtaposes 5â€™PLAG1 within intron one to ACTA2 intron two and downstream region. PLAG1-ACTA2 is expected to produce a transcript with PLAG1 exon 1 joined to ACTA2 exon 3. This has been confirmed with cDNA PCR and sequencing.